The following is an entry in ClinVar:

ClinVar aggregate classification (germline): Conflicting classifications of pathogenicity. Review status: criteria provided, conflicting classifications (1 of 4 stars). 6 submissions from 6 submitters: Uncertain significance (1); Benign (1); Likely benign (4). Last evaluated 2026-01-22.

Conditions:
Joubert syndrome 3 (JBTS3). Also called: AHI1-related Ciliopathy. Identifiers: Orphanet 220493, MedGen C1837713, MONDO:0012078, OMIM 608629.
Joubert syndrome. Also called: JOUBERT-BOLTSHAUSER SYNDROME; Familial aplasia of the vermis. Identifiers: Orphanet 475, MedGen C5979921, MONDO:0018772.

Allele frequency attached by ClinVar (database versions not stated): 1000 Genomes Project 0.00020; gnomAD 0.00029 and 0.00030; 1000 Genomes Project 30x 0.00031; gnomAD exomes 0.00034 and 0.00053; TOPMed 0.00041; ExAC 0.00045.
gnomAD v4.1: 779 of 1,530,120 alleles (0.051%); highest among the groups gnomAD compares: Non-Finnish European, 0.062%; no homozygotes.

Submissions (6):

Labcorp Genetics (formerly Invitae), Labcorp
Classification: Likely benign for Joubert syndrome. Last evaluated: 2026-01-22. Review status: criteria provided, single submitter. Criteria: Invitae Variant Classification Sherloc (09022015). Collection method: clinical testing. Allele origin: germline.

Blueprint Genetics
Classification: Likely benign. Last evaluated: 2024-11-14. Review status: criteria provided, single submitter. Criteria: ACMG Guidelines, 2015. Collection method: clinical testing. Allele origin: germline.

CeGaT Center for Human Genetics Tuebingen
Classification: Likely benign. Last evaluated: 2024-10-01. Review status: criteria provided, single submitter. Criteria: CeGaT Center For Human Genetics Tuebingen Variant Classification Criteria Version 2. Collection method: clinical testing. Allele origin: germline. Affected: yes. Observed: 1 variant allele.
Comment: AHI1: BP4, BP7

GeneDx
Classification: Likely benign. Last evaluated: 2019-06-12. Review status: criteria provided, single submitter. Criteria: GeneDx Variant Classification Process June 2021. Collection method: clinical testing. Allele origin: germline. Affected: yes.
Comment: This variant is associated with the following publications: (PMID: 16453322)

Illumina Laboratory Services, Illumina
Classification: Uncertain significance for Joubert syndrome 3. Last evaluated: 2018-03-16. Review status: criteria provided, single submitter. Criteria: ICSL Variant Classification Criteria 13 December 2019. Collection method: clinical testing. Allele origin: germline.

PreventionGenetics, part of Exact Sciences
Classification: Benign. Review status: criteria provided, single submitter. Criteria: ACMG Guidelines, 2015. Collection method: clinical testing. Allele origin: germline.

NM_001134831.2(AHI1):c.2382A>G (p.Lys794=)

Gene: AHI1 (Abelson helper integration site 1; minus strand). Cytogenetic location: 6q23.3.
Variant type: single nucleotide variant.
Coding change: c.2382A>G on transcript NM_001134831.2 (MANE Select); coding-DNA position 2382, A replaced by G.
Protein change: p.Lys794=; no amino-acid change (lysine 794 retained).
Molecular consequence: synonymous variant.
Genome position (GRCh38, 1-based): chr6:135,429,992, T>C on the plus strand (A>G on the coding strand, the complement: AHI1 is on the minus strand). VCF-style: chr6-135429992-T-C. GRCh37 (hg19) VCF-style: chr6-135751130-T-C.
Other names: c.2382A>G, p.Lys794= (NM_001134830.2, NM_001134832.2, NM_001350503.2 and 2 more transcripts).
Identifiers: ClinVar variation 260846 (VCV000260846.31), dbSNP rs191682790, ClinGen allele CA4012382.